The following is an entry in ClinVar:

ClinVar aggregate classification (germline): Likely benign (1 of 4 stars; one submission).

Submission:

GeneDx
Classification: Likely benign. Last evaluated: 2016-01-15. Review status: criteria provided, single submitter. Criteria: GeneDx Variant Classification (06012015). Collection method: clinical testing. Allele origin: germline. Affected: yes.
Comment: This variant is considered likely benign or benign based on one or more of the following criteria: it is a conservative change, it occurs at a poorly conserved position in the protein, it is predicted to be benign by multiple in silico algorithms, and/or has population frequency not consistent with disease.

NM_004006.3(DMD):c.8760G>C (p.Leu2920=)

Gene: DMD (dystrophin; minus strand). Cytogenetic location: Xp21.2.
Variant type: single nucleotide variant.
Coding change: c.8760G>C on transcript NM_004006.3 (MANE Select); coding-DNA position 8760, G replaced by C.
Protein change: p.Leu2920=; no amino-acid change (leucine 2920 retained).
Molecular consequence: synonymous variant.
Genome position (GRCh38, 1-based): chrX:31,478,283, C>G on the plus strand (G>C on the coding strand, the complement: DMD is on the minus strand). VCF-style: chrX-31478283-C-G. GRCh37 (hg19) VCF-style: chrX-31496400-C-G.
Other names: c.8736G>C, p.Leu2912= (NM_000109.4); c.8748G>C, p.Leu2916= (NM_004009.3); c.8391G>C, p.Leu2797= (NM_004010.3); c.4737G>C, p.Leu1579= (NM_004011.4); c.4728G>C, p.Leu1576= (NM_004012.4); c.1380G>C, p.Leu460= (NM_004013.3, NM_004020.4, NM_004021.3 and 2 more transcripts); c.573G>C, p.Leu191= (NM_004014.3).
Identifiers: ClinVar variation 383053 (VCV000383053.1), dbSNP rs1057521509, ClinGen allele CA16608437.